The following is an entry in ClinVar:

ClinVar aggregate classification (germline): Likely pathogenic. Review status: criteria provided, multiple submitters, no conflicts (2 of 4 stars). 3 submissions from 3 submitters: Likely pathogenic (3). Last evaluated 2025-10-03.

Conditions:
Familial Mediterranean fever (FMF). Also called: POLYSEROSITIS, FAMILIAL PAROXYSMAL; POLYSEROSITIS, RECURRENT; Periodic peritonitis; Benign paroxysmal peritonitis. Identifiers: Orphanet 342, MedGen C0031069, MONDO:0018088, OMIM 249100. Disease mechanism: gain of function.
MEFV-related disorder. Also called: MEFV-related disorders; MEFV-related condition.

Submissions (3):

PreventionGenetics, part of Exact Sciences
Classification: Likely pathogenic for MEFV-related condition. Last evaluated: 2025-10-03. Review status: criteria provided, single submitter. Criteria: ACMG Guidelines, 2015. Collection method: clinical testing. Allele origin: germline.
Comment: The MEFV c.1506_1507dupAT variant is predicted to result in a frameshift and premature protein termination (p.Ser503Tyrfs*11). To our knowledge, this variant has not been reported in the literature. This variant is reported in 0.016% of alleles in individuals of South Asian descent in gnomAD. Frameshift variants in MEFV are expected to be pathogenic. This variant is interpreted as likely pathogenic.

First Genomix Gene Laboratory, Genetic Diagnostics Department
Classification: Likely pathogenic for Familial Mediterranean fever. Last evaluated: 2025-09-24. Review status: criteria provided, single submitter. Criteria: ACMG Guidelines, 2015. Collection method: clinical testing. Allele origin: germline. Inheritance: Autosomal recessive inheritance. Affected: no. Observed: 1 variant allele.

Women's Health and Genetics/Laboratory Corporation of America, LabCorp
Classification: Likely pathogenic for Familial Mediterranean fever. Last evaluated: 2022-03-10. Review status: criteria provided, single submitter. Criteria: LabCorp Variant Classification Summary - May 2015. Collection method: clinical testing. Allele origin: germline.
Comment: Variant summary: MEFV c.1506_1507dupAT (p.Ser503TyrfsX11) results in a premature termination codon, predicted to cause a truncation of the encoded protein or absence of the protein due to nonsense mediated decay, which are commonly known mechanisms for disease. Truncation downstream of this position have been associated with Familial Mediterranean Fever in HGMD. The variant allele was found at a frequency of 2e-05 in 251488 control chromosomes (gnomAD). To our knowledge, no occurrence of c.1506_1507dupAT in individuals affected with Familial Mediterranean Fever and no experimental evidence demonstrating its impact on protein function have been reported. No clinical diagnostic laboratories have submitted clinical-significance assessments for this variant to ClinVar after 2014. Based on the evidence outlined above, the variant was classified as likely pathogenic.

NM_000243.3(MEFV):c.1506_1507dup (p.Ser503fs)

Gene: MEFV (MEFV innate immunity regulator, pyrin; minus strand). Cytogenetic location: 16p13.3.
Variant type: Duplication.
Coding change: c.1506_1507dup on transcript NM_000243.3 (MANE Select); coding-DNA positions 1506 to 1507, 2 bases duplicated (AT; older notation c.1506_1507dupAT).
Protein change: p.Ser503fs; shifts the reading frame from serine 503.
Molecular consequence: frameshift variant.
Genome position (GRCh38, 1-based): chr16:3,247,096-3,247,097, AT duplicated on the plus strand (AT on the coding strand, the reverse complement: MEFV is on the minus strand); duplicating any 2 consecutive bases within chr16:3,247,096-3,247,098 gives the same sequence; the c. name uses the placement nearest the transcript's 3' end. VCF-style (leftmost placement, unchanged base first): chr16-3247095-G-GAT. GRCh37 (hg19) VCF-style: chr16-3297095-G-GAT.
Other names: c.873_874dup, p.Ser292fs (NM_001198536.2); c.1506_1507dupAT (NM_000243.3); short protein forms S292fs, S503fs.
Identifiers: ClinVar variation 1677080 (VCV001677080.2), dbSNP rs751375381, ClinGen allele CA7860113.